The following is an entry in ClinVar:

NM_023110.3(FGFR1):c.336C>T (p.Thr112=)

Gene: FGFR1 (fibroblast growth factor receptor 1; minus strand). Cytogenetic location: 8p11.23.
Variant type: single nucleotide variant.
Coding change: c.336C>T on transcript NM_023110.3 (MANE Select); coding-DNA position 336, C replaced by T.
Protein change: p.Thr112=; no amino-acid change (threonine 112 retained).
Molecular consequence: synonymous variant. On other transcripts: intron variant (5).
Genome position (GRCh38, 1-based): chr8:38,429,704, G>A on the plus strand (C>T on the coding strand, the complement: FGFR1 is on the minus strand). VCF-style: chr8-38429704-G-A. GRCh37 (hg19) VCF-style: chr8-38287222-G-A.
Other names: c.336C>T, p.Thr112= (NM_001174063.2, NM_001174065.2, NM_001354367.2 and 2 more transcripts); c.312C>T, p.Thr104= (NM_001174064.2); c.435C>T, p.Thr145= (NM_001174067.2); c.92-1269C>T (NM_001354368.2, NM_001354370.2, NM_023106.3 and 2 more transcripts).
Identifiers: ClinVar variation 196512 (VCV000196512.33), dbSNP rs148480919, ClinGen allele CA202419.

ClinVar aggregate classification (germline): Benign/Likely benign. Review status: criteria provided, multiple submitters, no conflicts (2 of 4 stars). 9 submissions from 9 submitters: Benign (3); Likely benign (5). 1 of the submissions does not count toward it. Last evaluated 2025-12-22.

Conditions:
FGFR1-related disorder. Also called: FGFR1-related condition; FGFR1-related disorders. Identifiers: MedGen CN380097.
Trigonocephaly 1 (TRIGNO1). Identifiers: Orphanet 3366, MedGen C0432122, MONDO:0008603, OMIM 190440.
Hartsfield-Bixler-Demyer syndrome (HRTFDS). Also called: Holoprosencephaly, ectrodactyly, and bilateral cleft lip/palate; FGFR1-Related Hartsfield Syndrome; Hartsfield syndrome. Identifiers: Orphanet 2117, MedGen C1845146, MONDO:0014196, OMIM 615465. Disease mechanism: loss of function.
Encephalocraniocutaneous lipomatosis (ECCL). Identifiers: Orphanet 2396, MedGen C0406612, MONDO:0013074, OMIM 613001.
Hypogonadotropic hypogonadism 2 with or without anosmia (HH2). Also called: HYPOGONADOTROPIC HYPOGONADISM 2 WITHOUT ANOSMIA; FGFR1-Related GnRH Deficiency (Kallmann Syndrome 2); HYPOGONADOTROPIC HYPOGONADISM 2 WITH OR WITHOUT ANOSMIA, SUSCEPTIBILITY TO; HYPOGONADOTROPIC HYPOGONADISM 2 WITHOUT ANOSMIA, SUSCEPTIBILITY TO. Identifiers: Orphanet 478, MedGen C1563720, MONDO:0007844, OMIM 147950. Disease mechanism: loss of function.
Jackson-Weiss syndrome (JWS). Also called: CRANIOSYNOSTOSIS, MIDFACIAL HYPOPLASIA, AND FOOT ABNORMALITIES. Identifiers: Orphanet 1540, MedGen C0795998, MONDO:0007400, OMIM 123150. Disease mechanism: loss of function.
Osteoglophonic dysplasia (OGD). Also called: Osteoglophonic dwarfism. Identifiers: Orphanet 2645, MedGen C0432283, MONDO:0008150, OMIM 166250.
Pfeiffer syndrome (ACS5). Also called: ACS V. Identifiers: Orphanet 710, MedGen C0220658, MONDO:0007043, OMIM 101600.

Allele frequency attached by ClinVar (database versions not stated): gnomAD exomes 0.00010 and 0.00045; ExAC 0.00135; gnomAD 0.00149 and 0.00153; TOPMed 0.00168; 1000 Genomes Project 30x 0.00187; 1000 Genomes Project 0.00220; ESP Exome Variant Server 0.00254.

Submissions (9):

Labcorp Genetics (formerly Invitae), Labcorp
Classification: Benign for Pfeiffer syndrome; Hypogonadotropic hypogonadism 2 with or without anosmia. Last evaluated: 2025-12-22. Review status: criteria provided, single submitter. Criteria: Invitae Variant Classification Sherloc (09022015). Collection method: clinical testing. Allele origin: germline.

Blueprint Genetics
Classification: Likely benign. Last evaluated: 2024-09-13. Review status: criteria provided, single submitter. Criteria: ACMG Guidelines, 2015. Collection method: clinical testing. Allele origin: germline.

Fulgent Genetics
Classification: Likely benign for Pfeiffer syndrome; Jackson-Weiss syndrome; Hypogonadotropic hypogonadism 2 with or without anosmia; Osteoglophonic dysplasia; Trigonocephaly 1; Encephalocraniocutaneous lipomatosis; Hartsfield-Bixler-Demyer syndrome. Last evaluated: 2022-05-28. Review status: criteria provided, single submitter. Criteria: ACMG Guidelines, 2015. Collection method: clinical testing. Allele origin: unknown.

GeneDx
Classification: Likely benign. Last evaluated: 2021-07-29. Review status: criteria provided, single submitter. Criteria: GeneDx Variant Classification Process June 2021. Collection method: clinical testing. Allele origin: germline. Affected: yes.
Comment: This variant is associated with the following publications: (PMID: 27843123, 22319038)

ARUP Laboratories, Molecular Genetics and Genomics, ARUP Laboratories
Classification: Benign. Last evaluated: 2017-10-22. Review status: criteria provided, single submitter. Criteria: ARUP Molecular Germline Variant Investigation Process. Collection method: clinical testing. Allele origin: germline.

Genetic Services Laboratory, University of Chicago
Classification: Likely benign. Last evaluated: 2015-09-23. Review status: criteria provided, single submitter. Criteria: ACMG Guidelines, 2015. Collection method: clinical testing. Allele origin: germline. Affected: no.

Eurofins Ntd Llc (ga)
Classification: Benign. Last evaluated: 2015-02-05. Review status: criteria provided, single submitter. Criteria: EGL Classification Definitions 2015. Collection method: clinical testing. Allele origin: germline. Observed: 1 variant allele, 1 heterozygote.

Breakthrough Genomics
Classification: Likely benign. Review status: criteria provided, single submitter. Criteria: ACMG Guidelines, 2015. Collection method: not provided. Allele origin: germline. Inheritance: Autosomal dominant inheritance. Affected: yes.

PreventionGenetics, part of Exact Sciences
Classification: Likely benign for FGFR1-related condition. Last evaluated: 2019-12-06. Review status: no assertion criteria provided. Collection method: clinical testing. Allele origin: germline. Not counted in ClinVar's aggregate classification.
Comment: This variant is classified as likely benign based on ACMG/AMP sequence variant interpretation guidelines (Richards et al. 2015 PMID: 25741868, with internal and published modifications).